The following is an entry in ClinVar:

ClinVar aggregate classification (germline): Uncertain significance (1 of 4 stars; one submission).

Submission:

Ambry Genetics
Classification: Uncertain significance. Last evaluated: 2024-10-08. Review status: criteria provided, single submitter. Criteria: Ambry Variant Classification Scheme 2023. Collection method: clinical testing. Allele origin: germline.
Comment: The p.A1295V variant (also known as c.3884C>T), located in coding exon 4 of the ALPK2 gene, results from a C to T substitution at nucleotide position 3884. The alanine at codon 1295 is replaced by valine, an amino acid with similar properties. This amino acid position is conserved. In addition, this alteration is predicted to be tolerated by in silico analysis. Based on the available evidence, the clinical significance of this variant remains unclear.

NM_052947.4(ALPK2):c.3884C>T (p.Ala1295Val)

Genes: ALPK2 (alpha kinase 2; minus strand), LOC126862764 (BRD4-independent group 4 enhancer GRCh37_chr18:56202574-56203773; plus strand). Cytogenetic location: 18q21.31.
Variant type: single nucleotide variant.
Coding change: c.3884C>T on transcript NM_052947.4 (MANE Select); coding-DNA position 3884, C replaced by T.
Protein change: p.Ala1295Val; replaces alanine 1295 with valine.
Molecular consequence: missense variant.
Genome position (GRCh38, 1-based): chr18:58,536,303, G>A on the plus strand (C>T on the coding strand, the complement: ALPK2 is on the minus strand). VCF-style: chr18-58536303-G-A. GRCh37 (hg19) VCF-style: chr18-56203535-G-A.
Other names: short protein forms A1295V.
Identifiers: ClinVar variation 3531660 (VCV003531660.1).